The following is an entry in ClinVar:

ClinVar aggregate classification (germline): Likely pathogenic (1 of 4 stars; one submission).

Conditions:
Intellectual developmental disorder, X-linked 21. Also called: MENTAL RETARDATION, X-LINKED 34; Mental retardation, X-linked 21/34; Intellectual disability, X-linked 21. Identifiers: Orphanet 777, MedGen C5551510, MONDO:0010256, OMIM 300143.

Submission:

Department of Human Genetics, Hannover Medical School
Classification: Likely pathogenic for Intellectual developmental disorder, X-linked 21. Last evaluated: 2025-02-06. Review status: criteria provided, single submitter. Criteria: ACMG Guidelines, 2015. Collection method: clinical testing. Allele origin: germline. Inheritance: X-linked inheritance. Affected: yes.
Comment: ACMG: PVS1, PM2_Supporting

NM_014271.4(IL1RAPL1):c.1118_1173dup (p.His392delinsValTrpTer)

Gene: IL1RAPL1 (interleukin 1 receptor accessory protein like 1; plus strand). Cytogenetic location: Xp21.2.
Variant type: Duplication.
Coding change: c.1118_1173dup on transcript NM_014271.4 (MANE Select); coding-DNA positions 1118 to 1173, 56 bases duplicated.
Protein change: p.His392delinsValTrpTer.
Molecular consequence: nonsense.
Genome position (GRCh38, 1-based): chrX:29,941,711-29,941,766, 56 bases duplicated. GRCh37 (hg19): chrX:29,959,828-29,959,883.
Identifiers: ClinVar variation 3602619 (VCV003602619.1).